The following is an entry in ClinVar:

ClinVar aggregate classification (germline): Pathogenic (1 of 4 stars; one submission).

Conditions:
Familial thoracic aortic aneurysm and aortic dissection (TAAD). Also called: Thoracic aortic aneurysms and dissections. Identifiers: Orphanet 91387, MedGen C4707243, MONDO:0019625.
Marfan syndrome (MFS). Also called: FBN1-Related Marfan Syndrome; Marfan's syndrome; MARFAN SYNDROME, TYPE I; Marfan syndrome type 1; Marfan syndrome, classic. Identifiers: Orphanet 284963, Orphanet 558, MedGen C0024796, MONDO:0007947, OMIM 154700.

Submission:

Labcorp Genetics (formerly Invitae), Labcorp
Classification: Pathogenic for Marfan syndrome; Familial thoracic aortic aneurysm and aortic dissection. Last evaluated: 2020-11-27. Review status: criteria provided, single submitter. Criteria: Invitae Variant Classification Sherloc (09022015). Collection method: clinical testing. Allele origin: germline.
Comment: Algorithms developed to predict the effect of sequence changes on RNA splicing suggest that this variant may create or strengthen a splice site, but this prediction has not been confirmed by published transcriptional studies. For these reasons, this variant has been classified as Pathogenic. Loss-of-function variants in FBN1 are known to be pathogenic (PMID: 17657824, 19293843). This variant has not been reported in the literature in individuals with FBN1-related conditions. This variant is not present in population databases (ExAC no frequency). This sequence change creates a premature translational stop signal (p.Gln1955Leufs*7) in the FBN1 gene. It is expected to result in an absent or disrupted protein product.

Literature cited by the submitters: PubMed 17657824; PubMed 19293843.

NM_000138.5(FBN1):c.5860_5863dup (p.Gln1955fs)

Gene: FBN1 (fibrillin 1; minus strand). Cytogenetic location: 15q21.1.
Variant type: Duplication.
Coding change: c.5860_5863dup on transcript NM_000138.5 (MANE Select); coding-DNA positions 5860 to 5863, 4 bases duplicated (TTCC; older notation c.5860_5863dupTTCC).
Protein change: p.Gln1955fs; shifts the reading frame from glutamine 1955.
Molecular consequence: frameshift variant.
Genome position (GRCh38, 1-based): chr15:48,445,430-48,445,433, GGAA duplicated on the plus strand (TTCC on the coding strand, the reverse complement: FBN1 is on the minus strand). VCF-style (leftmost placement, unchanged base first): chr15-48445429-T-TGGAA. GRCh37 (hg19) VCF-style: chr15-48737626-T-TGGAA.
Other names: short protein forms Q1955fs.
Identifiers: ClinVar variation 851202 (VCV000851202.7), dbSNP rs2043151079, ClinGen allele CA916082419.